The following is an entry in ClinVar:

NM_005802.5(TOPORS):c.2777G>C (p.Cys926Ser)

Gene: TOPORS (TOP1 binding arginine/serine rich protein, E3 ubiquitin ligase; minus strand). Cytogenetic location: 9p21.1.
Variant type: single nucleotide variant.
Coding change: c.2777G>C on transcript NM_005802.5 (MANE Select); coding-DNA position 2777, G replaced by C.
Protein change: p.Cys926Ser; replaces cysteine 926 with serine.
Molecular consequence: missense variant.
Genome position (GRCh38, 1-based): chr9:32,541,748, C>G on the plus strand (G>C on the coding strand, the complement: TOPORS is on the minus strand). VCF-style: chr9-32541748-C-G. GRCh37 (hg19) VCF-style: chr9-32541746-C-G.
Other names: c.2582G>C, p.Cys861Ser (NM_001195622.2); short protein forms C861S, C926S.
Identifiers: ClinVar variation 2056350 (VCV002056350.4), dbSNP rs2489445121, ClinGen allele CA373161147.

ClinVar aggregate classification (germline): Uncertain significance (1 of 4 stars; one submission).

Submission:

Labcorp Genetics (formerly Invitae), Labcorp
Classification: Uncertain significance. Last evaluated: 2021-12-24. Review status: criteria provided, single submitter. Criteria: Invitae Variant Classification Sherloc (09022015). Collection method: clinical testing. Allele origin: germline.
Comment: This sequence change replaces cysteine, which is neutral and slightly polar, with serine, which is neutral and polar, at codon 926 of the TOPORS protein (p.Cys926Ser). This variant is not present in population databases (gnomAD no frequency). This variant has not been reported in the literature in individuals affected with TOPORS-related conditions. Algorithms developed to predict the effect of missense changes on protein structure and function are either unavailable or do not agree on the potential impact of this missense change (SIFT: "Tolerated"; PolyPhen-2: "Not Available"; Align-GVGD: "Class C0"). In summary, the available evidence is currently insufficient to determine the role of this variant in disease. Therefore, it has been classified as a Variant of Uncertain Significance.